The following is an entry in ClinVar:

ClinVar aggregate classification (germline): Uncertain significance (1 of 4 stars; one submission).

Conditions:
BRCA1-related cancer predisposition. Identifiers: MedGen CN377757, MONDO:0700268.

gnomAD v4.1: 1 of 1,613,912 alleles (0.000062%); highest among the groups gnomAD compares: Non-Finnish European, 0.000085%; no homozygotes.

Submission:

All of Us Research Program, National Institutes of Health
Classification: Uncertain significance for BRCA1-related cancer predisposition. Last evaluated: 2024-05-30. Review status: criteria provided, single submitter. Criteria: ACMG Guidelines, 2015. Collection method: clinical testing. Allele origin: germline. Inheritance: Autosomal dominant inheritance. Observed: 1 variant allele, 1 heterozygote.
Comment: This missense variant replaces lysine with asparagine at codon 608 of the BRCA1 protein. Computational prediction suggests that this variant may not impact protein structure and function. To our knowledge, functional studies have not been reported for this variant. This variant has not been reported in individuals affected with BRCA1-related disorders in the literature. This variant has not been identified in the general population by the Genome Aggregation Database (gnomAD). The available evidence is insufficient to determine the role of this variant in disease conclusively. Therefore, this variant is classified as a Variant of Uncertain Significance.

This study involves interpretation of variants in research participants for the purpose of population health screening. Participant phenotype was not available at the time of variant classification. Additional details can be found in publication PMID: 35346344, PMCID: PMC8962531

NM_007294.4(BRCA1):c.1824G>T (p.Lys608Asn)

Gene: BRCA1 (BRCA1 DNA repair associated; minus strand). Cytogenetic location: 17q21.31.
Variant type: single nucleotide variant.
Coding change: c.1824G>T on transcript NM_007294.4 (MANE Select); coding-DNA position 1824, G replaced by T.
Protein change: p.Lys608Asn; replaces lysine 608 with asparagine.
Molecular consequence: missense variant. On other transcripts: intron variant (137).
Genome position (GRCh38, 1-based): chr17:43,093,707, C>A on the plus strand (G>T on the coding strand, the complement: BRCA1 is on the minus strand). VCF-style: chr17-43093707-C-A. GRCh37 (hg19) VCF-style: chr17-41245724-C-A.
Other names: c.1746G>T, p.Lys582Asn (NM_001407653.1, NM_001407654.1, NM_001407655.1 and 4 more transcripts); c.1743G>T, p.Lys581Asn (NM_001407659.1, NM_001407660.1, NM_001407661.1 and 1 more transcripts); c.1701G>T, p.Lys567Asn (NM_001407664.1, NM_001407665.1, NM_001407666.1 and 19 more transcripts); c.1698G>T, p.Lys566Asn (NM_001407670.1, NM_001407671.1, NM_001407672.1 and 11 more transcripts); c.1824G>T, p.Lys608Asn (NM_001407684.1, NM_001407854.1, NM_001407858.1 and 30 more transcripts); c.1683G>T, p.Lys561Asn (NM_001407692.1, NM_001407694.1, NM_001407695.1 and 29 more transcripts); c.1680G>T, p.Lys560Asn (NM_001407740.1, NM_001407741.1, NM_001407742.1 and 20 more transcripts); c.1611G>T, p.Lys537Asn (NM_001407853.1, NM_001407894.1, NM_001407895.1 and 9 more transcripts); and 40 more; short protein forms K312N, K440N, K480N, K481N, K496N, K497N, K519N, K520N.
Identifiers: ClinVar variation 3386220 (VCV003386220.1).